The following is an entry in ClinVar:

NM_013245.3(VPS4A):c.1226G>T (p.Arg409Leu)

Gene: VPS4A (vacuolar protein sorting 4 homolog A; plus strand). Cytogenetic location: 16q22.1.
Variant type: single nucleotide variant.
Coding change: c.1226G>T on transcript NM_013245.3 (MANE Select); coding-DNA position 1226, G replaced by T.
Protein change: p.Arg409Leu; replaces arginine 409 with leucine.
Molecular consequence: missense variant.
Genome position (GRCh38, 1-based): chr16:69,324,221, G>T. VCF-style: chr16-69324221-G-T. GRCh37 (hg19) VCF-style: chr16-69358124-G-T.
Other names: short protein forms R409L.
Identifiers: ClinVar variation 2582201 (VCV002582201.1), dbSNP rs1201479350, ClinGen allele CA396474973.
Genomic context (GRCh38, chr16:69,324,221, plus strand): 5'-GACCTGGAGCCTGGCTCCTGCTCAGGCACATACTGTTGCCTTCACAGTCGGACATGCTGC[G>T]GTCTCTGGCCACCACCCGGCCCACGGTGAATGCAGACGACCTCCTGAAAGTGAAGAAATT-3'
Protein context (NP_037377.1, residues 399-419): EPVVCMSDML[Arg409Leu]SLATTRPTVN

ClinVar aggregate classification (germline): Uncertain significance (1 of 4 stars; one submission).

Submission:

GeneDx
Classification: Uncertain significance. Last evaluated: 2023-03-31. Review status: criteria provided, single submitter. Criteria: GeneDx Variant Classification Process June 2021. Collection method: clinical testing. Allele origin: germline. Affected: yes.
Comment: Not observed at significant frequency in large population cohorts (gnomAD); In silico analysis supports that this missense variant has a deleterious effect on protein structure/function; Has not been previously published as pathogenic or benign to our knowledge.